The following is an entry in ClinVar:

ClinVar aggregate classification (germline): Benign. Review status: criteria provided, multiple submitters, no conflicts (2 of 4 stars). 2 submissions from 2 submitters: Benign (2). Last evaluated 2018-01-13.

Conditions:
Short stature-pituitary and cerebellar defects-small sella turcica syndrome (CPHD4). Also called: Pituitary hormone deficiency, combined with or without cerebellar defects; Short stature, pituitary and cerebellar defects and small sella turcica. Identifiers: Orphanet 85442, MedGen C2678408, MONDO:0009880, OMIM 262700.

Allele frequency attached by ClinVar (database versions not stated): gnomAD exomes 0.00266; gnomAD 0.02153 and 0.02332; TOPMed 0.02463; 1000 Genomes Project 0.02536; 1000 Genomes Project 30x 0.02717.
gnomAD v4.1: 5,311 of 857,602 alleles (0.62%); highest among the groups gnomAD compares: African/African-American, 7.3%; 159 homozygotes.

Submissions (2):

Illumina Laboratory Services, Illumina
Classification: Benign for Short stature-pituitary and cerebellar defects-small sella turcica syndrome. Last evaluated: 2018-01-13. Review status: criteria provided, single submitter. Criteria: ICSL Variant Classification Criteria 13 December 2019. Collection method: clinical testing. Allele origin: germline.
Comment: This variant was observed in the ICSL laboratory as part of a predisposition screen in an ostensibly healthy population. It had not been previously curated by ICSL or reported in the Human Gene Mutation Database (HGMD: prior to June 1st, 2018), and was therefore a candidate for classification through an automated scoring system. Utilizing variant allele frequency, disease prevalence and penetrance estimates, and inheritance mode, an automated score was calculated to assess if this variant is too frequent to cause the disease. Based on the score and internal cut-off values, a variant classified as benign is not then subjected to further curation. The score for this variant resulted in a classification of benign for this disease.

Breakthrough Genomics
Classification: Benign. Review status: criteria provided, single submitter. Criteria: ACMG Guidelines, 2015. Collection method: not provided. Allele origin: germline. Inheritance: Autosomal dominant inheritance. Affected: yes.

NM_033343.4(LHX4):c.-120C>T

Gene: LHX4 (LIM homeobox 4; plus strand). Cytogenetic location: 1q25.2.
Variant type: single nucleotide variant.
Coding change: c.-120C>T on transcript NM_033343.4 (MANE Select); 120 bases upstream of the start codon, C replaced by T.
Molecular consequence: 5 prime UTR variant.
Genome position (GRCh38, 1-based): chr1:180,230,410, C>T. VCF-style: chr1-180230410-C-T. GRCh37 (hg19) VCF-style: chr1-180199545-C-T.
Identifiers: ClinVar variation 293856 (VCV000293856.6), dbSNP rs355625, ClinGen allele CA10608318.